The following is an entry in ClinVar:

ClinVar aggregate classification (germline): Uncertain significance (1 of 4 stars; one submission).

Conditions:
Acute myeloid leukemia (AML). Also called: Acute myeloid leukemia, adult; AML adult; Acute non-lymphocytic leukemia; Acute granulocytic leukemia; Leukemia, acute myeloid, somatic; Leukemia, acute myelogenous, somatic. Identifiers: Orphanet 519, MedGen C0023467, MeSH D015470, MONDO:0018874, OMIM 601626, HP:0004808. Disease mechanism: Constitutively activated FLT3.

Submission:

Labcorp Genetics (formerly Invitae), Labcorp
Classification: Uncertain significance for Acute myeloid leukemia. Last evaluated: 2019-05-13. Review status: criteria provided, single submitter. Criteria: Invitae Variant Classification Sherloc (09022015). Collection method: clinical testing. Allele origin: germline.
Comment: In summary, the available evidence is currently insufficient to determine the role of this variant in disease. Therefore, it has been classified as a Variant of Uncertain Significance. This sequence change replaces arginine with leucine at codon 343 of the CEBPA protein (p.Arg343Leu). The arginine residue is highly conserved and there is a moderate physicochemical difference between arginine and leucine. This variant is not present in population databases (ExAC no frequency). This variant has not been reported in the literature in individuals with CEBPA-related conditions. Algorithms developed to predict the effect of missense changes on protein structure and function are either unavailable or do not agree on the potential impact of this missense change (SIFT: "Deleterious"; PolyPhen-2: "Probably Damaging"; Align-GVGD: "Class C0").

NM_004364.5(CEBPA):c.1028_1029delinsTT (p.Arg343Leu)

Gene: CEBPA (CCAAT enhancer binding protein alpha; minus strand). Cytogenetic location: 19q13.11.
Variant type: Indel.
Coding change: c.1028_1029delinsTT on transcript NM_004364.5 (MANE Select); coding-DNA positions 1028 to 1029, GC replaced by TT.
Protein change: p.Arg343Leu; replaces arginine 343 with leucine.
Molecular consequence: missense variant.
Genome position (GRCh38, 1-based): chr19:33,301,386-33,301,387, GC replaced by AA on the plus strand (GC replaced by TT on the coding strand, the reverse complement: CEBPA is on the minus strand). VCF-style: chr19-33301386-GC-AA. GRCh37 (hg19) VCF-style: chr19-33792292-GC-AA.
Other names: c.671_672delinsTT, p.Arg224Leu (NM_001285829.2); c.1133_1134delinsTT, p.Arg378Leu (NM_001287424.2); c.986_987delinsTT, p.Arg329Leu (NM_001287435.2); short protein forms R343L, R329L, R378L, R224L.
Identifiers: ClinVar variation 846326 (VCV000846326.8), dbSNP rs1967157714, ClinGen allele CA916081950.